The following is an entry in ClinVar:

ClinVar aggregate classification (germline): Conflicting classifications of pathogenicity. Review status: criteria provided, conflicting classifications (1 of 4 stars). 5 submissions from 5 submitters: Uncertain significance (4); Likely benign (1). Last evaluated 2026-01-28.

Conditions:
Dystonic disorder. Also called: Dystonia. Identifiers: MedGen C0013421, MONDO:0003441, HP:0001332.

Allele frequency attached by ClinVar (database versions not stated): gnomAD 0.00012 and 0.00013; gnomAD exomes 0.00012 and 0.00043; TOPMed 0.00024; ExAC 0.00037.

Submissions (5):

Labcorp Genetics (formerly Invitae), Labcorp
Classification: Likely benign for Dystonic disorder. Last evaluated: 2026-01-28. Review status: criteria provided, single submitter. Criteria: Invitae Variant Classification Sherloc (09022015). Collection method: clinical testing. Allele origin: germline.

Mayo Clinic Laboratories, Mayo Clinic
Classification: Uncertain significance. Last evaluated: 2023-02-15. Review status: criteria provided, single submitter. Criteria: ACMG Guidelines, 2015. Collection method: clinical testing. Allele origin: germline. Observed: 2 variant alleles.
Comment: PP3

GeneDx
Classification: Uncertain significance. Last evaluated: 2019-12-17. Review status: criteria provided, single submitter. Criteria: GeneDx Variant Classification Process June 2021. Collection method: clinical testing. Allele origin: germline. Affected: yes.
Comment: In silico analysis, which includes protein predictors and evolutionary conservation, supports a deleterious effect; Has not been previously published as pathogenic or benign to our knowledge

Genomic Research Center, Shahid Beheshti University of Medical Sciences
Classification: Uncertain significance. Last evaluated: 2019-01-01. Review status: criteria provided, single submitter. Criteria: ACMG Guidelines, 2015. Collection method: clinical testing. Allele origin: unknown. Affected: yes. Observed: 1 variant allele.

Eurofins Ntd Llc (ga)
Classification: Uncertain significance. Last evaluated: 2018-03-21. Review status: criteria provided, single submitter. Criteria: EGL ClinVar v180209 classification definitions. Collection method: clinical testing. Allele origin: germline. Observed: 1 variant allele, 1 heterozygote.

NM_003124.5(SPR):c.628C>T (p.Arg210Trp)

Gene: SPR (sepiapterin reductase; plus strand). Cytogenetic location: 2p13.2.
Variant type: single nucleotide variant.
Coding change: c.628C>T on transcript NM_003124.5 (MANE Select); coding-DNA position 628, C replaced by T.
Protein change: p.Arg210Trp; replaces arginine 210 with tryptophan.
Molecular consequence: missense variant.
Genome position (GRCh38, 1-based): chr2:72,891,379, C>T. VCF-style: chr2-72891379-C-T. GRCh37 (hg19) VCF-style: chr2-73118508-C-T.
Other names: short protein forms R210W.
Identifiers: ClinVar variation 239510 (VCV000239510.25), dbSNP rs200845457, ClinGen allele CA1709008.